The following is an entry in ClinVar:

ClinVar aggregate classification (germline): Pathogenic (1 of 4 stars; one submission).

Conditions:
Neurofibromatosis, type 1 (NF1). Also called: NEUROFIBROMATOSIS, TYPE I, SOMATIC; VON RECKLINGHAUSEN DISEASE; Peripheral type neurofibromatosis; Neurofibromatosis, type I. Identifiers: Orphanet 636, MedGen C0027831, MONDO:0018975, OMIM 162200. Disease mechanism: loss of function.

Submission:

Labcorp Genetics (formerly Invitae), Labcorp
Classification: Pathogenic for Neurofibromatosis, type 1. Last evaluated: 2025-06-24. Review status: criteria provided, single submitter. Criteria: Invitae Variant Classification Sherloc (09022015). Collection method: clinical testing. Allele origin: germline.
Comment: This sequence change creates a premature translational stop signal (p.Gln1315Hisfs*12) in the NF1 gene. It is expected to result in an absent or disrupted protein product. Loss-of-function variants in NF1 are known to be pathogenic (PMID: 10712197, 23913538). This variant is not present in population databases (gnomAD no frequency). This variant has not been reported in the literature in individuals affected with NF1-related conditions. For these reasons, this variant has been classified as Pathogenic.

Literature cited by the submitters: PubMed 10712197; PubMed 23913538.

NM_001042492.3(NF1):c.3945del (p.Gln1315fs)

Gene: NF1 (neurofibromin 1; plus strand). Cytogenetic location: 17q11.2.
Variant type: Deletion.
Coding change: c.3945del on transcript NM_001042492.3 (MANE Select); coding-DNA position 3945, one base deleted (A; older notation c.3945delA).
Protein change: p.Gln1315fs; shifts the reading frame from glutamine 1315.
Molecular consequence: frameshift variant.
Genome position (GRCh38, 1-based): chr17:31,235,992, A deleted; the last of 2 consecutive A bases (chr17:31,235,991-31,235,992); deleting either gives the same sequence. VCF-style (leftmost placement, unchanged base first): chr17-31235990-CA-C. GRCh37 (hg19) VCF-style: chr17-29563008-CA-C.
Other names: c.3945del, p.Gln1315fs (NM_000267.4); short protein forms Q1315fs.
Identifiers: ClinVar variation 4722012 (VCV004722012.1).